The following is an entry in ClinVar:

ClinVar aggregate classification (germline): Uncertain significance. Review status: criteria provided, multiple submitters, no conflicts (2 of 4 stars). 4 submissions from 4 submitters: Uncertain significance (4). Last evaluated 2025-12-10.

Conditions:
Familial cancer of breast. Also called: BREAST CANCER, FAMILIAL; hereditary breast carcinoma; Hereditary breast cancer. Identifiers: Orphanet 227535, MedGen C0346153, MONDO:0016419, OMIM 114480. Disease mechanism: loss of function.
Hereditary cancer-predisposing syndrome. Also called: Hereditary Cancer Syndrome; Neoplastic Syndromes, Hereditary; Hereditary neoplastic syndrome; Tumor predisposition. Identifiers: Orphanet 140162, MedGen C0027672, MeSH D009386, MONDO:0015356.

Allele frequency attached by ClinVar (database versions not stated): gnomAD exomes below 0.00001.
gnomAD v4.1: 4 of 1,614,204 alleles (0.00025%); highest among the groups gnomAD compares: Non-Finnish European, 0.00034%; no homozygotes.

Submissions (4):

Labcorp Genetics (formerly Invitae), Labcorp
Classification: Uncertain significance for Familial cancer of breast. Last evaluated: 2025-12-10. Review status: criteria provided, single submitter. Criteria: Invitae Variant Classification Sherloc (09022015). Collection method: clinical testing. Allele origin: germline.
Comment: This sequence change replaces tryptophan, which is neutral and slightly polar, with arginine, which is basic and polar, at codon 1140 of the PALB2 protein (p.Trp1140Arg). This variant is present in population databases (no rsID available, gnomAD 0.0009%). This variant has not been reported in the literature in individuals affected with PALB2-related conditions. ClinVar contains an entry for this variant (Variation ID: 849533). An algorithm developed to predict the effect of missense changes on protein structure and function (PolyPhen-2) suggests that this variant is likely to be disruptive. In summary, the available evidence is currently insufficient to determine the role of this variant in disease. Therefore, it has been classified as a Variant of Uncertain Significance.

Color Diagnostics, LLC DBA Color Health
Classification: Uncertain significance for Hereditary cancer-predisposing syndrome. Last evaluated: 2025-05-12. Review status: criteria provided, single submitter. Criteria: ACMG Guidelines, 2015. Collection method: clinical testing. Allele origin: germline.
Comment: This missense variant replaces tryptophan with arginine at codon 1140 of the PALB2 protein. Computational prediction is inconclusive regarding the impact of this variant on protein structure and function. To our knowledge, functional studies have not been reported for this variant. This variant has not been reported in individuals affected with PALB2-related disorders in the literature. This variant has been identified in 1/251470 chromosomes in the general population by the Genome Aggregation Database (gnomAD). The available evidence is insufficient to determine the role of this variant in disease conclusively. Therefore, this variant is classified as a Variant of Uncertain Significance.

Blueprint Genetics
Classification: Uncertain significance. Last evaluated: 2023-07-03. Review status: criteria provided, single submitter. Criteria: ACMG Guidelines, 2015. Collection method: clinical testing. Allele origin: germline.

Ambry Genetics
Classification: Uncertain significance for Hereditary cancer-predisposing syndrome. Last evaluated: 2022-06-07. Review status: criteria provided, single submitter. Criteria: Ambry Variant Classification Scheme 2023. Collection method: clinical testing. Allele origin: germline.
Comment: The p.W1140R variant (also known as c.3418T>A), located in coding exon 13 of the PALB2 gene, results from a T to A substitution at nucleotide position 3418. The tryptophan at codon 1140 is replaced by arginine, an amino acid with dissimilar properties. This amino acid position is highly conserved in available vertebrate species. In addition, this alteration is predicted to be deleterious by in silico analysis. Since supporting evidence is limited at this time, the clinical significance of this alteration remains unclear.

NM_024675.4(PALB2):c.3418T>A (p.Trp1140Arg)

Gene: PALB2 (partner and localizer of BRCA2; minus strand). Cytogenetic location: 16p12.2.
Variant type: single nucleotide variant.
Coding change: c.3418T>A on transcript NM_024675.4 (MANE Select); coding-DNA position 3418, T replaced by A.
Protein change: p.Trp1140Arg; replaces tryptophan 1140 with arginine.
Molecular consequence: missense variant.
Genome position (GRCh38, 1-based): chr16:23,603,602, A>T on the plus strand (T>A on the coding strand, the complement: PALB2 is on the minus strand). VCF-style: chr16-23603602-A-T. GRCh37 (hg19) VCF-style: chr16-23614923-A-T.
Other names: short protein forms W1140R.
Identifiers: ClinVar variation 849533 (VCV000849533.14), dbSNP rs62625283, ClinGen allele CA395138215.